The following is an entry in ClinVar:

NM_020347.4(LZTFL1):c.129-10T>G

Gene: LZTFL1 (leucine zipper transcription factor like 1; minus strand). Cytogenetic location: 3p21.31.
Variant type: single nucleotide variant.
Coding change: c.129-10T>G on transcript NM_020347.4 (MANE Select); 10 bases into the intron before coding-DNA position 129, T replaced by G.
Molecular consequence: intron variant.
Genome position (GRCh38, 1-based): chr3:45,835,794, A>C on the plus strand (T>G on the coding strand, the complement: LZTFL1 is on the minus strand). VCF-style: chr3-45835794-A-C. GRCh37 (hg19) VCF-style: chr3-45877286-A-C.
Other names: c.129-10T>G (NM_020347.3, NM_001386452.1); c.117-10T>G (NM_001276379.2); c.78-10T>G (NM_001276378.2, NM_001386451.1).
Identifiers: ClinVar variation 2193899 (VCV002193899.6), dbSNP rs771988814, ClinGen allele CA2351995.

ClinVar aggregate classification (germline): Likely benign. Review status: criteria provided, multiple submitters, no conflicts (2 of 4 stars). 2 submissions from 2 submitters: Likely benign (2). Last evaluated 2025-10-18.

Conditions:
LZTFL1-related disorder. Also called: LZTFL1-related condition.

Allele frequency attached by ClinVar (database versions not stated): gnomAD 0.00003; gnomAD exomes 0.00004; TOPMed 0.00004; ExAC 0.00007.
gnomAD v4.1: 60 of 1,580,740 alleles (0.0038%); highest among the groups gnomAD compares: Non-Finnish European, 0.0049%; no homozygotes.

Submissions (2):

Labcorp Genetics (formerly Invitae), Labcorp
Classification: Likely benign. Last evaluated: 2025-10-18. Review status: criteria provided, single submitter. Criteria: Invitae Variant Classification Sherloc (09022015). Collection method: clinical testing. Allele origin: germline.

PreventionGenetics, part of Exact Sciences
Classification: Likely benign for LZTFL1-related condition. Last evaluated: 2025-10-15. Review status: criteria provided, single submitter. Criteria: ACMG Guidelines, 2015. Collection method: clinical testing. Allele origin: germline.
Comment: This variant is classified as likely benign based on ACMG/AMP sequence variant interpretation guidelines (Richards et al. 2015 PMID: 25741868, with internal and published modifications).